The following is an entry in ClinVar:

ClinVar aggregate classification (germline): Pathogenic. Review status: criteria provided, single submitter (1 of 4 stars). 2 submissions from 2 submitters: Pathogenic (1). 1 of the submissions does not count toward it. Last evaluated 2019-03-06.

Conditions:
Charcot-Marie-Tooth disease type 4. Also called: Charcot-Marie-Tooth disease, type IV; Charcot-Marie-Tooth, Type 4. Identifiers: Orphanet 64749, MedGen C4082197, MONDO:0018995.
Charcot-Marie-Tooth disease, type I (CMT1). Also called: Charcot-Marie-Tooth, Type 1; Charcot-Marie-Tooth disease type 1. Identifiers: Orphanet 65753, MedGen C0751036, MONDO:0019011.

Submissions (2):

Labcorp Genetics (formerly Invitae), Labcorp
Classification: Pathogenic for Charcot-Marie-Tooth disease type 4. Last evaluated: 2019-03-06. Review status: criteria provided, single submitter. Criteria: Invitae Variant Classification Sherloc (09022015). Collection method: clinical testing. Allele origin: germline.
Comment: For these reasons, this variant has been classified as Pathogenic. A different truncation (p.Arg1070*) that lies downstream of this variant has been determined to be pathogenic (PMID: 15197604, 16770524, 22847150, 26059842). This suggests that deletion of this region of the PRX protein is causative of disease. This variant has not been reported in the literature in individuals with PRX-related conditions. This variant is not present in population databases (ExAC no frequency). This sequence change results in a premature translational stop signal in the PRX gene (p.Pro153Leufs*160). While this is not anticipated to result in nonsense mediated decay, it is expected to disrupt the last 1309 amino acids of the PRX protein.

Genesis Genome Database
Classification: Uncertain significance for Charcot-Marie-Tooth disease, type I. Last evaluated: 2019-08-14. Review status: no assertion criteria provided. Collection method: research. Allele origin: germline. Affected: yes. Not counted in ClinVar's aggregate classification.

Literature cited by the submitters: PubMed 15197604 (cited by Labcorp Genetics (formerly Invitae), Labcorp); PubMed 16770524 (cited by Labcorp Genetics (formerly Invitae), Labcorp); PubMed 22847150 (cited by Labcorp Genetics (formerly Invitae), Labcorp); PubMed 26059842 (cited by Labcorp Genetics (formerly Invitae), Labcorp).

NM_181882.3(PRX):c.458del (p.Pro153fs)

Gene: PRX (periaxin; minus strand). Cytogenetic location: 19q13.2.
Variant type: Deletion.
Coding change: c.458del on transcript NM_181882.3 (MANE Select); coding-DNA position 458, one base deleted (C; older notation c.458delC).
Protein change: p.Pro153fs; shifts the reading frame from proline 153.
Molecular consequence: frameshift variant. On other transcripts: 3 prime UTR variant (1).
Genome position (GRCh38, 1-based): chr19:40,397,894, G deleted on the plus strand (C on the coding strand, the reverse complement: PRX is on the minus strand); the first of 4 consecutive G bases (chr19:40,397,894-40,397,897); deleting any one gives the same sequence. VCF-style (leftmost placement, unchanged base first): chr19-40397893-AG-A. GRCh37 (hg19) VCF-style: chr19-40903800-AG-A.
Other names: c.*663del (NM_020956.2); short protein forms P153fs.
Identifiers: ClinVar variation 694922 (VCV000694922.10), dbSNP rs1599656851, ClinGen allele CA915953026.